The following is an entry in ClinVar:

NM_006031.6(PCNT):c.2481C>T (p.Asp827=)

Gene: PCNT (pericentrin; plus strand). Cytogenetic location: 21q22.3.
Variant type: single nucleotide variant.
Coding change: c.2481C>T on transcript NM_006031.6 (MANE Select); coding-DNA position 2481, C replaced by T.
Protein change: p.Asp827=; no amino-acid change (aspartic acid 827 retained).
Molecular consequence: synonymous variant.
Genome position (GRCh38, 1-based): chr21:46,363,806, C>T. VCF-style: chr21-46363806-C-T. GRCh37 (hg19) VCF-style: chr21-47783721-C-T.
Other names: c.2481C>T (NM_006031.5); c.2127C>T, p.Asp709= (NM_001315529.2).
Identifiers: ClinVar variation 2976114 (VCV002976114.4), dbSNP rs373056051, ClinGen allele CA10078981.

ClinVar aggregate classification (germline): Likely benign. Review status: criteria provided, single submitter (1 of 4 stars). 2 submissions from 2 submitters: Likely benign (1). 1 of the submissions does not count toward it. Last evaluated 2023-06-04.

Conditions:
PCNT-related disorder. Also called: PCNT-related condition.

Allele frequency attached by ClinVar (database versions not stated): gnomAD exomes below 0.00001; gnomAD 0.00001; ExAC 0.00002; TOPMed 0.00002; ESP Exome Variant Server 0.00008.
gnomAD v4.1: 3 of 1,613,074 alleles (0.00019%); highest among the groups gnomAD compares: African/African-American, 0.004%; no homozygotes.

Submissions (2):

Labcorp Genetics (formerly Invitae), Labcorp
Classification: Likely benign. Last evaluated: 2023-06-04. Review status: criteria provided, single submitter. Criteria: Invitae Variant Classification Sherloc (09022015). Collection method: clinical testing. Allele origin: germline.

PreventionGenetics, part of Exact Sciences
Classification: Likely benign for PCNT-related condition. Last evaluated: 2023-07-10. Review status: no assertion criteria provided. Collection method: clinical testing. Allele origin: germline. Not counted in ClinVar's aggregate classification.
Comment: This variant is classified as likely benign based on ACMG/AMP sequence variant interpretation guidelines (Richards et al. 2015 PMID: 25741868, with internal and published modifications).